The following is an entry in ClinVar:

NM_014141.6(CNTNAP2):c.1238G>A (p.Ser413Asn)

Gene: CNTNAP2 (contactin associated protein 2; plus strand). Cytogenetic location: 7q35.
Variant type: single nucleotide variant.
Coding change: c.1238G>A on transcript NM_014141.6 (MANE Select); coding-DNA position 1238, G replaced by A.
Protein change: p.Ser413Asn; replaces serine 413 with asparagine.
Molecular consequence: missense variant.
Genome position (GRCh38, 1-based): chr7:147,132,399, G>A. VCF-style: chr7-147132399-G-A. GRCh37 (hg19) VCF-style: chr7-146829491-G-A.
Other names: p.S413N:AGT>AAT; short protein forms S413N.
Identifiers: ClinVar variation 205235 (VCV000205235.10), dbSNP rs796052371, ClinGen allele CA314104.

ClinVar aggregate classification (germline): Uncertain significance. Review status: criteria provided, multiple submitters, no conflicts (2 of 4 stars). 4 submissions from 4 submitters: Uncertain significance (4). Last evaluated 2024-03-25.

Conditions:
Autism, susceptibility to, 15. Also called: Autism susceptibility 15. Identifiers: MedGen C2677504, MONDO:0012801, OMIM 612100.
Cortical dysplasia-focal epilepsy syndrome (PTHSL1). Also called: Pitt-Hopkins-like syndrome 1. Identifiers: Orphanet 163681, Orphanet 221150, MedGen C2750246, MONDO:0012400, OMIM 610042.
Inborn genetic diseases. Identifiers: MedGen C0950123, MeSH D030342.

Allele frequency attached by ClinVar (database versions not stated): gnomAD exomes below 0.00001.
gnomAD v4.1: 3 of 1,613,652 alleles (0.00019%); highest among the groups gnomAD compares: Middle Eastern, 0.033%; no homozygotes.

Submissions (4):

Genomic Medicine Center of Excellence, King Faisal Specialist Hospital and Research Centre
Classification: Uncertain significance for Autism, susceptibility to, 15. Last evaluated: 2024-03-25. Review status: criteria provided, single submitter. Criteria: ACMG Guidelines, 2015. Collection method: clinical testing. Allele origin: germline.

Labcorp Genetics (formerly Invitae), Labcorp
Classification: Uncertain significance for Cortical dysplasia-focal epilepsy syndrome. Last evaluated: 2022-03-24. Review status: criteria provided, single submitter. Criteria: Invitae Variant Classification Sherloc (09022015). Collection method: clinical testing. Allele origin: germline.
Comment: In summary, the available evidence is currently insufficient to determine the role of this variant in disease. Therefore, it has been classified as a Variant of Uncertain Significance. Algorithms developed to predict the effect of missense changes on protein structure and function are either unavailable or do not agree on the potential impact of this missense change (SIFT: "Deleterious"; PolyPhen-2: "Benign"; Align-GVGD: "Class C0"). ClinVar contains an entry for this variant (Variation ID: 205235). This variant has not been reported in the literature in individuals affected with CNTNAP2-related conditions. This variant is present in population databases (rs796052371, gnomAD 0.0009%). This sequence change replaces serine, which is neutral and polar, with asparagine, which is neutral and polar, at codon 413 of the CNTNAP2 protein (p.Ser413Asn).

Ambry Genetics
Classification: Uncertain significance for Inborn genetic diseases. Last evaluated: 2020-03-20. Review status: criteria provided, single submitter. Criteria: Ambry Variant Classification Scheme 2023. Collection method: clinical testing. Allele origin: germline.
Comment: The p.S413N variant (also known as c.1238G>A), located in coding exon 8 of the CNTNAP2 gene, results from a G to A substitution at nucleotide position 1238. The serine at codon 413 is replaced by asparagine, an amino acid with highly similar properties. This amino acid position is well conserved in available vertebrate species. In addition, this alteration is predicted to be tolerated by in silico analysis. Since supporting evidence is limited at this time, the clinical significance of this alteration remains unclear.

GeneDx
Classification: Uncertain significance. Last evaluated: 2015-10-05. Review status: criteria provided, single submitter. Criteria: GeneDx Variant Classification (06012015). Collection method: clinical testing. Allele origin: germline. Affected: yes.
Comment: p.Ser413Asn (AGT>AAT): c.1238 G>A in exon 8 of the CNTNAP2 gene (NM_014141.5). The Ser413Asn missense change in the CNTNAP2 gene has not been published as a mutation, nor has it been reported as a benign polymorphism to our knowledge. It was not observed in approximately 6,500 individuals of European and African American ancestry in the NHLBI Exome Sequencing Project, indicating it is not a common benign variant in these populations. This variant is a conservative substitution of one uncharged, polar amino acid for another. It alters a position that is conserved in mammals; however, Asparagine is observed at this position in distantly related species. In silico analysis predicts this variant likely has a benign effect on the protein structure/function. Therefore, based on the currently available information, it is unclear whether Ser413Asn is a disease-causing mutation or a rare benign variant. The variant is found in INFANT-EPI panel(s).